The following is an entry in ClinVar:

ClinVar aggregate classification (germline): Uncertain significance (1 of 4 stars; one submission).

gnomAD v4.1: 2 of 1,551,332 alleles (0.00013%); highest among the groups gnomAD compares: Admixed American, 0.0039%; no homozygotes.

Submission:

Labcorp Genetics (formerly Invitae), Labcorp
Classification: Uncertain significance. Last evaluated: 2021-10-07. Review status: criteria provided, single submitter. Criteria: Invitae Variant Classification Sherloc (09022015). Collection method: clinical testing. Allele origin: germline.
Comment: This sequence change replaces histidine with leucine at codon 847 of the EYS protein (p.His847Leu). The histidine residue is moderately conserved and there is a moderate physicochemical difference between histidine and leucine. This variant is not present in population databases (ExAC no frequency). This variant has not been reported in the literature in individuals affected with EYS-related conditions. Algorithms developed to predict the effect of missense changes on protein structure and function are either unavailable or do not agree on the potential impact of this missense change (SIFT: "Deleterious"; PolyPhen-2: "Possibly Damaging"; Align-GVGD: "Class C15"). In summary, the available evidence is currently insufficient to determine the role of this variant in disease. Therefore, it has been classified as a Variant of Uncertain Significance.

NM_001142800.2(EYS):c.2540A>T (p.His847Leu)

Gene: EYS (eyes shut homolog; minus strand). Cytogenetic location: 6q12.
Variant type: single nucleotide variant.
Coding change: c.2540A>T on transcript NM_001142800.2 (MANE Select); coding-DNA position 2540, A replaced by T.
Protein change: p.His847Leu; replaces histidine 847 with leucine.
Molecular consequence: missense variant.
Genome position (GRCh38, 1-based): chr6:64,912,585, T>A on the plus strand (A>T on the coding strand, the complement: EYS is on the minus strand). VCF-style: chr6-64912585-T-A. GRCh37 (hg19) VCF-style: chr6-65622478-T-A.
Other names: c.2540A>T, p.His847Leu (NM_001292009.2); short protein forms H847L.
Identifiers: ClinVar variation 1516014 (VCV001516014.3), dbSNP rs1460353199, ClinGen allele CA364786289.
Genomic context (GRCh38, chr6:64,912,585, plus strand): 5'-AAGCATGTTGAGTTGTTTCTGCAAGGGTTATGAAGTAGGTCACAAAGGTTATAGCGTTGG[T>A]GGCAAAATTGTCCAGTATAAAGGGGTGGGCACAGACATACAAATTGTCCAGGGATGGTAG-3'
Protein context (NP_001136272.1, residues 837-857): CPPLYTGQFC[His847Leu]QRYNLCDLLH